The following is an entry in ClinVar:

ClinVar aggregate classification (germline): Conflicting classifications of pathogenicity. Review status: criteria provided, conflicting classifications (1 of 4 stars). 4 submissions from 4 submitters: Pathogenic (3); Uncertain significance (1). Last evaluated 2025-06-16.

Conditions:
Posterior column ataxia-retinitis pigmentosa syndrome (RETSNS). Also called: RETINOPATHY-SENSORY NEUROPATHY SYNDROME. Identifiers: Orphanet 88628, MedGen C1836916, MONDO:0012177, OMIM 609033.
FLVCR1-related disorders.

Submissions (4):

Variantyx, Inc.
Classification: Pathogenic for Posterior column ataxia-retinitis pigmentosa syndrome. Last evaluated: 2025-06-16. Review status: criteria provided, single submitter. Criteria: Variantyx Assertion Criteria 2022. Collection method: clinical testing. Allele origin: germline. Inheritance: Autosomal recessive inheritance.
Comment: This is an intronic variant in the FLVCR1 gene (OMIM: 609144). Pathogenic variants in this gene have been associated with autosomal recessive neurodevelopmental disorder with microcephaly, absent speech, and hypotonia. This splicing variant is expected to result in loss of function, which is a known disease mechanism for FLVCR1 in this disorder (PMID: 38405817) (PVS1). It has been identified in the homozygous or compound heterozygous state in at least 3 individuals reported in the published literature (PMID: 38405817, 24628582, 38098057) (PM3_Strong). The maximum allele frequency in non-founder control populations is 0.0100% (PM2). Based on the current evidence, this variant is classified as pathogenic for autosomal recessive neurodevelopmental disorder with microcephaly, absent speech, and hypotonia.

Labcorp Genetics (formerly Invitae), Labcorp
Classification: Pathogenic. Last evaluated: 2025-04-21. Review status: criteria provided, single submitter. Criteria: Invitae Variant Classification Sherloc (09022015). Collection method: clinical testing. Allele origin: germline.
Comment: This sequence change falls in intron 9 of the FLVCR1 gene. It does not directly change the encoded amino acid sequence of the FLVCR1 protein. It affects a nucleotide within the consensus splice site. This variant is present in population databases (rs771159212, gnomAD 0.01%). This variant has been observed in individual(s) with clinical features of FLVCR1-related conditions (PMID: 24628582; internal data). In at least one individual the data is consistent with being in trans (on the opposite chromosome) from a pathogenic variant. It has also been observed to segregate with disease in related individuals. ClinVar contains an entry for this variant (Variation ID: 857832). Variants that disrupt the consensus splice site are a relatively common cause of aberrant splicing (PMID: 17576681, 9536098). Algorithms developed to predict the effect of sequence changes on RNA splicing suggest that this variant may disrupt the consensus splice site. For these reasons, this variant has been classified as Pathogenic.

GeneDx
Classification: Uncertain significance. Last evaluated: 2024-09-05. Review status: criteria provided, single submitter. Criteria: GeneDx Variant Classification Process June 2021. Collection method: clinical testing. Allele origin: germline.
Comment: Intronic variant directly or indirectly altering the +5 splice site in a gene for which loss of function is a known mechanism of disease, and splice predictors support a deleterious effect; This variant is associated with the following publications: (PMID: 24628582, 31964843)

Blueprint Genetics
Classification: Pathogenic for FLVCR1-related disorders. Last evaluated: 2023-12-12. Review status: criteria provided, single submitter. Criteria: ACMG Guidelines, 2015. Collection method: clinical testing. Allele origin: germline. Affected: yes. Observed: 4 variant alleles.

Literature cited by the submitters: PubMed 38405817 (cited by Variantyx, Inc.); PubMed 24628582 (cited by Variantyx, Inc. and Labcorp Genetics (formerly Invitae), Labcorp); PubMed 38098057 (cited by Variantyx, Inc.); PubMed 17576681 (cited by Labcorp Genetics (formerly Invitae), Labcorp); PubMed 9536098 (cited by Labcorp Genetics (formerly Invitae), Labcorp).

NM_014053.4(FLVCR1):c.1593+5_1593+8del

Gene: FLVCR1 (FLVCR choline and heme transporter 1; plus strand). Cytogenetic location: 1q32.3.
Variant type: Microsatellite.
Coding change: c.1593+5_1593+8del on transcript NM_014053.4 (MANE Select); bases 5 to 8 of the intron after coding-DNA position 1593, 4 bases deleted (GTAA; older notation c.1593+5_1593+8delGTAA).
Molecular consequence: splice donor variant.
Genome position (GRCh38, 1-based): chr1:212,895,058-212,895,061, GTAA deleted; deleting any 4 consecutive bases within chr1:212,895,054-212,895,061 gives the same sequence; the c. name uses the placement nearest the transcript's 3' end. VCF-style (leftmost placement, unchanged base first): chr1-212895053-TGTAA-T. GRCh37 (hg19) VCF-style: chr1-213068395-TGTAA-T.
Other names: c.1593+5_1593+8delGTAA (NM_014053.4).
Identifiers: ClinVar variation 857832 (VCV000857832.10), dbSNP rs771159212, ClinGen allele CA1386192.